The following is an entry in ClinVar:

ClinVar aggregate classification (germline): Uncertain significance. Review status: criteria provided, multiple submitters, no conflicts (2 of 4 stars). 2 submissions from 2 submitters: Uncertain significance (2). Last evaluated 2023-03-13.

Allele frequency attached by ClinVar (database versions not stated): gnomAD exomes below 0.00001.
gnomAD v4.1: 1 of 1,613,424 alleles (0.000062%); highest among the groups gnomAD compares: Non-Finnish European, 0.000085%; no homozygotes.

Submissions (2):

Labcorp Genetics (formerly Invitae), Labcorp
Classification: Uncertain significance. Last evaluated: 2023-03-13. Review status: criteria provided, single submitter. Criteria: Invitae Variant Classification Sherloc (09022015). Collection method: clinical testing. Allele origin: germline.
Comment: This sequence change replaces cysteine, which is neutral and slightly polar, with tyrosine, which is neutral and polar, at codon 1630 of the COL11A1 protein (p.Cys1630Tyr). This variant is not present in population databases (gnomAD no frequency). In summary, the available evidence is currently insufficient to determine the role of this variant in disease. Therefore, it has been classified as a Variant of Uncertain Significance. Advanced modeling of protein sequence and biophysical properties (such as structural, functional, and spatial information, amino acid conservation, physicochemical variation, residue mobility, and thermodynamic stability) has been performed at Invitae for this missense variant, however the output from this modeling did not meet the statistical confidence thresholds required to predict the impact of this variant on COL11A1 protein function. ClinVar contains an entry for this variant (Variation ID: 1489950). This variant has not been reported in the literature in individuals affected with COL11A1-related conditions.

Blueprint Genetics
Classification: Uncertain significance. Last evaluated: 2022-03-15. Review status: criteria provided, single submitter. Criteria: ACMG Guidelines, 2015. Collection method: clinical testing. Allele origin: germline.

NM_001854.4(COL11A1):c.4889G>A (p.Cys1630Tyr)

Gene: COL11A1 (collagen type XI alpha 1 chain; minus strand). Cytogenetic location: 1p21.1.
Variant type: single nucleotide variant.
Coding change: c.4889G>A on transcript NM_001854.4 (MANE Select); coding-DNA position 4889, G replaced by A.
Protein change: p.Cys1630Tyr; replaces cysteine 1630 with tyrosine.
Molecular consequence: missense variant. On other transcripts: non-coding transcript variant (1).
Genome position (GRCh38, 1-based): chr1:102,883,281, C>T on the plus strand (G>A on the coding strand, the complement: COL11A1 is on the minus strand). VCF-style: chr1-102883281-C-T. GRCh37 (hg19) VCF-style: chr1-103348837-C-T.
Other names: c.4772G>A, p.Cys1591Tyr (NM_001190709.2); c.4925G>A, p.Cys1642Tyr (NM_080629.3); c.4541G>A, p.Cys1514Tyr (NM_080630.4); short protein forms C1630Y, C1591Y, C1642Y, C1514Y.
Identifiers: ClinVar variation 1489950 (VCV001489950.9), dbSNP rs983620607, ClinGen allele CA28151174.